The following is an entry in ClinVar:

ClinVar aggregate classification (germline): Benign/Likely benign. Review status: criteria provided, multiple submitters, no conflicts (2 of 4 stars). 3 submissions from 3 submitters: Benign (1); Likely benign (2). Last evaluated 2025-12-28.

Conditions:
Juvenile polyposis syndrome (JPS). Identifiers: Orphanet 2929, MedGen C0345893, MONDO:0017380, OMIM 174900.
Familial thoracic aortic aneurysm and aortic dissection (TAAD). Also called: Thoracic aortic aneurysms and dissections. Identifiers: Orphanet 91387, MedGen C4707243, MONDO:0019625.
Hereditary cancer-predisposing syndrome. Also called: Neoplastic Syndromes, Hereditary; Hereditary neoplastic syndrome; Hereditary Cancer Syndrome; Tumor predisposition. Identifiers: Orphanet 140162, MedGen C0027672, MeSH D009386, MONDO:0015356.
Juvenile polyposis/hereditary hemorrhagic telangiectasia syndrome (JPHT). Also called: JP/HHT SYNDROME; JUVENILE POLYPOSIS WITH HEREDITARY HEMORRHAGIC TELANGIECTASIA; POLYPOSIS, GENERALIZED JUVENILE, WITH PULMONARY ARTERIOVENOUS MALFORMATION; TELANGIECTASIA, HEREDITARY HEMORRHAGIC, WITH JUVENILE POLYPOSIS COLI; Juvenile Polyposis Syndrome / Hereditary Hemorrhagic Telangiectasia (JPS/HHT). Identifiers: Orphanet 2929, MedGen C1832942, MONDO:0008278, OMIM 175050.

Submissions (3):

Labcorp Genetics (formerly Invitae), Labcorp
Classification: Likely benign for Juvenile polyposis syndrome. Last evaluated: 2025-12-28. Review status: criteria provided, single submitter. Criteria: Invitae Variant Classification Sherloc (09022015). Collection method: clinical testing. Allele origin: germline.

Myriad Genetics, Inc.
Classification: Benign for Juvenile polyposis/hereditary hemorrhagic telangiectasia syndrome. Last evaluated: 2025-03-19. Review status: criteria provided, single submitter. Criteria: Myriad Autosomal Dominant, Autosomal Recessive and X-Linked Classification Criteria (2023). Collection method: clinical testing. Allele origin: unknown.
Comment: This variant is considered benign. This variant is a silent/synonymous amino acid change and it is not expected to impact splicing.

Ambry Genetics
Classification: Likely benign for Hereditary cancer-predisposing syndrome; Familial thoracic aortic aneurysm and aortic dissection. Last evaluated: 2019-04-22. Review status: criteria provided, single submitter. Criteria: Ambry Variant Classification Scheme 2023. Collection method: clinical testing. Allele origin: germline.

NM_005359.6(SMAD4):c.712T>C (p.Leu238=)

Gene: SMAD4 (SMAD family member 4; plus strand). Cytogenetic location: 18q21.2.
Variant type: single nucleotide variant.
Coding change: c.712T>C on transcript NM_005359.6 (MANE Select); coding-DNA position 712, T replaced by C.
Protein change: p.Leu238=; no amino-acid change (leucine 238 retained).
Molecular consequence: synonymous variant.
Genome position (GRCh38, 1-based): chr18:51,058,169, T>C. VCF-style: chr18-51058169-T-C. GRCh37 (hg19) VCF-style: chr18-48584539-T-C.
Identifiers: ClinVar variation 826858 (VCV000826858.14), dbSNP rs1599189507, ClinGen allele CA503993849.